The following is an entry in ClinVar:

NM_020376.4(PNPLA2):c.873C>G (p.Pro291=)

Gene: PNPLA2 (patatin like domain 2, triacylglycerol lipase; plus strand). Cytogenetic location: 11p15.5.
Variant type: single nucleotide variant.
Coding change: c.873C>G on transcript NM_020376.4 (MANE Select); coding-DNA position 873, C replaced by G.
Protein change: p.Pro291=; no amino-acid change (proline 291 retained).
Molecular consequence: synonymous variant.
Genome position (GRCh38, 1-based): chr11:823,809, C>G. VCF-style: chr11-823809-C-G. GRCh37 (hg19) VCF-style: chr11-823809-C-G.
Other names: p.Pro291=.
Identifiers: ClinVar variation 261248 (VCV000261248.21), dbSNP rs1135628, ClinGen allele CA5791207.

ClinVar aggregate classification (germline): Benign/Likely benign. Review status: criteria provided, multiple submitters, no conflicts (2 of 4 stars). 8 submissions from 8 submitters: Benign (7); Likely benign (1). Last evaluated 2026-02-04.

Conditions:
Neutral lipid storage myopathy (NLSDM). Also called: NEUTRAL LIPID STORAGE DISEASE WITHOUT ICHTHYOSIS. Identifiers: Orphanet 98908, MedGen C1853136, MONDO:0012545, OMIM 610717.

Allele frequency attached by ClinVar (database versions not stated): ESP Exome Variant Server 0.19124; TOPMed 0.20580; 1000 Genomes Project 30x 0.26093; 1000 Genomes Project 0.26717.
gnomAD v4.1: 395,999 of 1,601,182 alleles (25%); highest among the groups gnomAD compares: South Asian, 42%; 52,688 homozygotes.

Submissions (8):

Labcorp Genetics (formerly Invitae), Labcorp
Classification: Benign for Neutral lipid storage myopathy. Last evaluated: 2026-02-04. Review status: criteria provided, single submitter. Criteria: Invitae Variant Classification Sherloc (09022015). Collection method: clinical testing. Allele origin: germline.

Blueprint Genetics
Classification: Likely benign. Last evaluated: 2024-11-27. Review status: criteria provided, single submitter. Criteria: ACMG Guidelines, 2015. Collection method: clinical testing. Allele origin: germline.

Mayo Clinic Laboratories, Mayo Clinic
Classification: Benign. Last evaluated: 2022-05-05. Review status: criteria provided, single submitter. Criteria: ACMG Guidelines, 2015. Collection method: clinical testing. Allele origin: germline. Observed: 490 variant alleles.

Genome-Nilou Lab
Classification: Benign for Neutral lipid storage myopathy. Last evaluated: 2021-07-14. Review status: criteria provided, single submitter. Criteria: ACMG Guidelines, 2015. Collection method: clinical testing. Allele origin: germline. Affected: no.

GeneDx
Classification: Benign. Last evaluated: 2018-06-25. Review status: criteria provided, single submitter. Criteria: GeneDx Variant Classification Process June 2021. Collection method: clinical testing. Allele origin: germline. Affected: yes.

Illumina Laboratory Services, Illumina
Classification: Benign for Neutral lipid storage myopathy. Last evaluated: 2018-01-13. Review status: criteria provided, single submitter. Criteria: ICSL Variant Classification Criteria 13 December 2019. Collection method: clinical testing. Allele origin: germline.
Comment: This variant was observed in the ICSL laboratory as part of a predisposition screen in an ostensibly healthy population. It had not been previously curated by ICSL or reported in the Human Gene Mutation Database (HGMD: prior to June 1st, 2018), and was therefore a candidate for classification through an automated scoring system. Utilizing variant allele frequency, disease prevalence and penetrance estimates, and inheritance mode, an automated score was calculated to assess if this variant is too frequent to cause the disease. Based on the score and internal cut-off values, a variant classified as benign is not then subjected to further curation. The score for this variant resulted in a classification of benign for this disease.

Breakthrough Genomics
Classification: Benign. Review status: criteria provided, single submitter. Criteria: ACMG Guidelines, 2015. Collection method: not provided. Allele origin: germline. Inheritance: Autosomal recessive inheritance. Affected: yes.

PreventionGenetics, part of Exact Sciences
Classification: Benign. Review status: criteria provided, single submitter. Criteria: ACMG Guidelines, 2015. Collection method: clinical testing. Allele origin: germline.